The following is an entry in ClinVar:

NM_003286.4(TOP1):c.1875T>C (p.Ala625=)

Genes: PLCG1-AS1 (PLCG1 antisense RNA 1; minus strand), TOP1 (DNA topoisomerase I; plus strand). Cytogenetic location: 20q12.
Variant type: single nucleotide variant.
Coding change: c.1875T>C on transcript NM_003286.4 (MANE Select); coding-DNA position 1875, T replaced by C.
Protein change: p.Ala625=; no amino-acid change (alanine 625 retained).
Molecular consequence: synonymous variant.
Genome position (GRCh38, 1-based): chr20:41,118,221, T>C. VCF-style: chr20-41118221-T-C. GRCh37 (hg19) VCF-style: chr20-39746861-T-C.
Identifiers: ClinVar variation 3039907 (VCV003039907.2), dbSNP rs764208638, ClinGen allele CA9858347.

ClinVar aggregate classification (germline): Likely benign (0 of 4 stars; one submission).

Conditions:
TOP1-related disorder. Also called: TOP1-related condition.

Allele frequency attached by ClinVar (database versions not stated): ExAC 0.00001; gnomAD 0.00001; gnomAD exomes 0.00001; TOPMed 0.00002.
gnomAD v4.1: 8 of 1,614,074 alleles (0.0005%); highest among the groups gnomAD compares: Admixed American, 0.013%; no homozygotes.

Submission:

PreventionGenetics, part of Exact Sciences
Classification: Likely benign for TOP1-related condition. Last evaluated: 2019-10-28. Review status: no assertion criteria provided. Collection method: clinical testing. Allele origin: germline.
Comment: This variant is classified as likely benign based on ACMG/AMP sequence variant interpretation guidelines (Richards et al. 2015 PMID: 25741868, with internal and published modifications).